The following is an entry in ClinVar:

NM_001080467.3(MYO5B):c.3013G>A (p.Ala1005Thr)

Gene: MYO5B (myosin VB; minus strand). Cytogenetic location: 18q21.1.
Variant type: single nucleotide variant.
Coding change: c.3013G>A on transcript NM_001080467.3 (MANE Select); coding-DNA position 3013, G replaced by A.
Protein change: p.Ala1005Thr; replaces alanine 1005 with threonine.
Molecular consequence: missense variant.
Genome position (GRCh38, 1-based): chr18:49,894,973, C>T on the plus strand (G>A on the coding strand, the complement: MYO5B is on the minus strand). VCF-style: chr18-49894973-C-T. GRCh37 (hg19) VCF-style: chr18-47421343-C-T.
Other names: short protein forms A1005T.
Identifiers: ClinVar variation 1463540 (VCV001463540.4), dbSNP rs539183320, ClinGen allele CA8960876.

ClinVar aggregate classification (germline): Uncertain significance (1 of 4 stars; one submission).

Allele frequency attached by ClinVar (database versions not stated): gnomAD exomes 0.00003; gnomAD 0.00009; ExAC 0.00003; TOPMed 0.00007; 1000 Genomes Project 30x 0.00016; 1000 Genomes Project 0.00020.
gnomAD v4.1: 83 of 1,613,432 alleles (0.0051%); highest among the groups gnomAD compares: East Asian, 0.0089%; no homozygotes.

Submission:

Labcorp Genetics (formerly Invitae), Labcorp
Classification: Uncertain significance. Last evaluated: 2021-12-19. Review status: criteria provided, single submitter. Criteria: Invitae Variant Classification Sherloc (09022015). Collection method: clinical testing. Allele origin: germline.
Comment: In summary, the available evidence is currently insufficient to determine the role of this variant in disease. Therefore, it has been classified as a Variant of Uncertain Significance. Algorithms developed to predict the effect of missense changes on protein structure and function output the following: SIFT: "Tolerated"; PolyPhen-2: "Benign"; Align-GVGD: "Class C0". The threonine amino acid residue is found in multiple mammalian species, which suggests that this missense change does not adversely affect protein function. This variant has not been reported in the literature in individuals affected with MYO5B-related conditions. This variant is present in population databases (rs539183320, gnomAD 0.006%). This sequence change replaces alanine, which is neutral and non-polar, with threonine, which is neutral and polar, at codon 1005 of the MYO5B protein (p.Ala1005Thr).